The following is an entry in ClinVar:

ClinVar aggregate classification (germline): Benign/Likely benign. Review status: criteria provided, multiple submitters, no conflicts (2 of 4 stars). 3 submissions from 3 submitters: Benign (1); Likely benign (2). Last evaluated 2024-06-01.

Conditions:
History of neurodevelopmental disorder. Identifiers: MedGen C2711754.

Allele frequency attached by ClinVar (database versions not stated): gnomAD exomes 0.00010 and 0.00027; 1000 Genomes Project 30x 0.00042; ExAC 0.00043; 1000 Genomes Project 0.00053; gnomAD 0.00093 and 0.00096; TOPMed 0.00104; ESP Exome Variant Server 0.00142.
gnomAD v4.1: 207 of 1,209,689 alleles (0.017%); highest among the groups gnomAD compares: African/African-American, 0.35%; no homozygotes.

Submissions (3):

CeGaT Center for Human Genetics Tuebingen
Classification: Likely benign. Last evaluated: 2024-06-01. Review status: criteria provided, single submitter. Criteria: CeGaT Center For Human Genetics Tuebingen Variant Classification Criteria Version 2. Collection method: clinical testing. Allele origin: germline. Affected: yes. Observed: 1 variant allele.
Comment: ZNF711: BP4, BP7, BS2

Labcorp Genetics (formerly Invitae), Labcorp
Classification: Benign. Last evaluated: 2018-04-16. Review status: criteria provided, single submitter. Criteria: Invitae Variant Classification Sherloc (09022015). Collection method: clinical testing. Allele origin: germline.

Ambry Genetics
Classification: Likely benign for History of neurodevelopmental disorder. Last evaluated: 2013-06-11. Review status: criteria provided, single submitter. Criteria: Ambry Autosomal Dominant and X-Linked criteria (10/2015). Collection method: clinical testing. Allele origin: germline. Observed: 1 variant allele.

NM_001330574.2(ZNF711):c.453A>C (p.Gly151=)

Gene: ZNF711 (ZFX family zinc finger ZNF711; plus strand). Cytogenetic location: Xq21.1.
Variant type: single nucleotide variant.
Coding change: c.453A>C on transcript NM_001330574.2 (MANE Select); coding-DNA position 453, A replaced by C.
Protein change: p.Gly151=; no amino-acid change (glycine 151 retained).
Molecular consequence: synonymous variant.
Genome position (GRCh38, 1-based): chrX:85,255,632, A>C. VCF-style: chrX-85255632-A-C. GRCh37 (hg19) VCF-style: chrX-84510638-A-C.
Other names: c.453A>C, p.Gly151= (NM_021998.5).
Identifiers: ClinVar variation 590256 (VCV000590256.24), dbSNP rs139906124, ClinGen allele CA10464621.
Genomic context (GRCh38, chrX:85,255,632, plus strand): 5'-TGACCTTGTTACTGGTCCTAATGGACACTTAGAACATGTGGTCCAAGATTGTGTTTCAGG[A>C]GTCGACTCTCCCACAATGGTATCAGAGGAGGTTCTTGTAACTAATTCAGATACAGAAACT-3'
Protein context (NP_001317503.1, residues 141-161): LEHVVQDCVS[Gly151=]VDSPTMVSEE